The following is an entry in ClinVar:

ClinVar aggregate classification (germline): Uncertain significance (1 of 4 stars; one submission).

Allele frequency attached by ClinVar (database versions not stated): TOPMed below 0.00001; gnomAD exomes below 0.00001.
gnomAD v4.1: 2 of 1,589,154 alleles (0.00013%); highest among the groups gnomAD compares: Non-Finnish European, 0.00017%; no homozygotes.

Submission:

CeGaT Center for Human Genetics Tuebingen
Classification: Uncertain significance. Last evaluated: 2023-09-01. Review status: criteria provided, single submitter. Criteria: CeGaT Center For Human Genetics Tuebingen Variant Classification Criteria Version 2. Collection method: clinical testing. Allele origin: germline. Affected: yes. Observed: 1 variant allele.
Comment: ETFB: PM2, PP3

NM_001985.3(ETFB):c.552C>G (p.Asp184Glu)

Gene: ETFB (electron transfer flavoprotein subunit beta; minus strand). Cytogenetic location: 19q13.41.
Variant type: single nucleotide variant.
Coding change: c.552C>G on transcript NM_001985.3 (MANE Select); coding-DNA position 552, C replaced by G.
Protein change: p.Asp184Glu; replaces aspartic acid 184 with glutamic acid.
Molecular consequence: missense variant.
Genome position (GRCh38, 1-based): chr19:51,346,945, G>C on the plus strand (C>G on the coding strand, the complement: ETFB is on the minus strand). VCF-style: chr19-51346945-G-C. GRCh37 (hg19) VCF-style: chr19-51850199-G-C.
Other names: c.825C>G, p.Asp275Glu (NM_001014763.1); short protein forms D184E, D275E.
Identifiers: ClinVar variation 2650371 (VCV002650371.24), dbSNP rs1444467533, ClinGen allele CA407081027.